The following is an entry in ClinVar:

ClinVar aggregate classification (germline): Likely benign. Review status: criteria provided, multiple submitters, no conflicts (2 of 4 stars). 3 submissions from 3 submitters: Likely benign (2). 1 of the submissions does not count toward it. Last evaluated 2025-11-25.

Conditions:
NT5C2-related disorder. Also called: NT5C2-related condition.
Hereditary spastic paraplegia 45. Also called: Spastic paraplegia 45, autosomal recessive; SPASTIC PARAPLEGIA 45. Identifiers: Orphanet 320396, MedGen C3888209, MONDO:0013165, OMIM 613162.

Allele frequency attached by ClinVar (database versions not stated): gnomAD 0.00005 and 0.00006; gnomAD exomes 0.00006 and 0.00010; TOPMed 0.00012; ExAC 0.00017; ESP Exome Variant Server 0.00008.
gnomAD v4.1: 91 of 1,611,916 alleles (0.0056%); highest among the groups gnomAD compares: Non-Finnish European, 0.0074%; no homozygotes.

Submissions (3):

Labcorp Genetics (formerly Invitae), Labcorp
Classification: Likely benign for Hereditary spastic paraplegia 45. Last evaluated: 2025-11-25. Review status: criteria provided, single submitter. Criteria: Invitae Variant Classification Sherloc (09022015). Collection method: clinical testing. Allele origin: germline.

CeGaT Center for Human Genetics Tuebingen
Classification: Likely benign. Last evaluated: 2024-12-01. Review status: criteria provided, single submitter. Criteria: CeGaT Center For Human Genetics Tuebingen Variant Classification Criteria Version 2. Collection method: clinical testing. Allele origin: germline. Affected: yes. Observed: 3 variant alleles.
Comment: NT5C2: BP4, BP7

PreventionGenetics, part of Exact Sciences
Classification: Likely benign for NT5C2-related condition. Last evaluated: 2023-08-07. Review status: no assertion criteria provided. Collection method: clinical testing. Allele origin: germline. Not counted in ClinVar's aggregate classification.
Comment: This variant is classified as likely benign based on ACMG/AMP sequence variant interpretation guidelines (Richards et al. 2015 PMID: 25741868, with internal and published modifications).

NM_001351169.2(NT5C2):c.1089G>A (p.Arg363=)

Gene: NT5C2 (5'-nucleotidase, cytosolic II; minus strand). Cytogenetic location: 10q24.32.
Variant type: single nucleotide variant.
Coding change: c.1089G>A on transcript NM_001351169.2 (MANE Select); coding-DNA position 1089, G replaced by A.
Protein change: p.Arg363=; no amino-acid change (arginine 363 retained).
Molecular consequence: synonymous variant.
Genome position (GRCh38, 1-based): chr10:103,093,209, C>T on the plus strand (G>A on the coding strand, the complement: NT5C2 is on the minus strand). VCF-style: chr10-103093209-C-T. GRCh37 (hg19) VCF-style: chr10-104852966-C-T.
Other names: c.1089G>A, p.Arg363= (NM_001134373.3, NM_012229.5); c.1113G>A, p.Arg371= (NM_001351170.2, NM_001351171.2, NM_001351172.2 and 1 more transcripts); c.1002G>A, p.Arg334= (NM_001351174.1); c.996G>A, p.Arg332= (NM_001351175.2); c.516G>A, p.Arg172= (NM_001351176.2, NM_001351177.2, NM_001351178.2 and 16 more transcripts); c.375G>A, p.Arg125= (NM_001351194.2, NM_001351195.2, NM_001351196.2).
Identifiers: ClinVar variation 706887 (VCV000706887.42), dbSNP rs370299413, ClinGen allele CA5670865.